The following is an entry in ClinVar:

ClinVar aggregate classification (germline): Likely benign (0 of 4 stars; one submission).

Conditions:
CLDN9-related disorder. Also called: CLDN9-related condition.

Submission:

PreventionGenetics, part of Exact Sciences
Classification: Likely benign for CLDN9-related condition. Last evaluated: 2024-07-20. Review status: no assertion criteria provided. Collection method: clinical testing. Allele origin: germline.
Comment: This variant is classified as likely benign based on ACMG/AMP sequence variant interpretation guidelines (Richards et al. 2015 PMID: 25741868, with internal and published modifications).

NM_020982.4(CLDN9):c.385G>A (p.Gly129Ser)

Gene: CLDN9 (claudin 9; plus strand). Cytogenetic location: 16p13.3.
Variant type: single nucleotide variant.
Coding change: c.385G>A on transcript NM_020982.4 (MANE Select); coding-DNA position 385, G replaced by A.
Protein change: p.Gly129Ser; replaces glycine 129 with serine.
Molecular consequence: missense variant.
Genome position (GRCh38, 1-based): chr16:3,013,747, G>A. VCF-style: chr16-3013747-G-A. GRCh37 (hg19) VCF-style: chr16-3063748-G-A.
Other names: short protein forms G129S.
Identifiers: ClinVar variation 3352743 (VCV003352743.1).
Genomic context (GRCh38, chr16:3,013,747, plus strand): 5'-GAGGACGAAGGTGCCAAGGCCCGTATCGTGCTCACCGCGGGGGTCATCCTCCTCCTCGCC[G>A]GCATCCTGGTGCTCATCCCTGTGTGCTGGACGGCGCACGCCATCATCCAGGACTTCTACA-3'
Protein context (NP_066192.1, residues 119-139): LTAGVILLLA[Gly129Ser]ILVLIPVCWT